The following is an entry in ClinVar:

ClinVar aggregate classification (germline): Uncertain significance. Review status: criteria provided, multiple submitters, no conflicts (2 of 4 stars). 3 submissions from 3 submitters: Uncertain significance (3). Last evaluated 2025-07-27.

Conditions:
Hereditary cancer-predisposing syndrome. Also called: Hereditary neoplastic syndrome; Neoplastic Syndromes, Hereditary; Tumor predisposition; Hereditary Cancer Syndrome. Identifiers: Orphanet 140162, MedGen C0027672, MeSH D009386, MONDO:0015356.
Neurofibromatosis, type 1 (NF1). Also called: VON RECKLINGHAUSEN DISEASE; Peripheral type neurofibromatosis; NEUROFIBROMATOSIS, TYPE I, SOMATIC; Neurofibromatosis, type I. Identifiers: Orphanet 636, MedGen C0027831, MONDO:0018975, OMIM 162200. Disease mechanism: loss of function.

Submissions (3):

Labcorp Genetics (formerly Invitae), Labcorp
Classification: Uncertain significance for Neurofibromatosis, type 1. Last evaluated: 2025-07-27. Review status: criteria provided, single submitter. Criteria: Invitae Variant Classification Sherloc (09022015). Collection method: clinical testing. Allele origin: germline.
Comment: This sequence change replaces aspartic acid, which is acidic and polar, with asparagine, which is neutral and polar, at codon 2719 of the NF1 protein (p.Asp2719Asn). This variant is not present in population databases (gnomAD no frequency). This variant has not been reported in the literature in individuals affected with NF1-related conditions. ClinVar contains an entry for this variant (Variation ID: 481906). Invitae Evidence Modeling of protein sequence and biophysical properties (such as structural, functional, and spatial information, amino acid conservation, physicochemical variation, residue mobility, and thermodynamic stability) indicates that this missense variant is not expected to disrupt NF1 protein function with a negative predictive value of 95%. In summary, the available evidence is currently insufficient to determine the role of this variant in disease. Therefore, it has been classified as a Variant of Uncertain Significance.

Genome-Nilou Lab
Classification: Uncertain significance for Neurofibromatosis, type 1. Last evaluated: 2022-03-15. Review status: criteria provided, single submitter. Criteria: ACMG Guidelines, 2015. Collection method: clinical testing. Allele origin: germline. Affected: no.

Ambry Genetics
Classification: Uncertain significance for Hereditary cancer-predisposing syndrome. Last evaluated: 2016-03-09. Review status: criteria provided, single submitter. Criteria: Ambry Autosomal Dominant and X-Linked criteria (10/2015). Collection method: clinical testing. Allele origin: germline. Observed: 1 variant allele.
Comment: The p.D2740N variant (also known as c.8218G>A), located in coding exon 57 of the NF1 gene, results from a G to A substitution at nucleotide position 8218. The aspartic acid at codon 2740 is replaced by asparagine, an amino acid with highly similar properties. This variant was not reported in population based cohorts in the following databases: Database of Single Nucleotide Polymorphisms (dbSNP), NHLBI Exome Sequencing Project (ESP), and 1000 Genomes Project. In the ESP, this variant was not observed in 6503 samples (13006 alleles) with coverage at this position. To date, this alteration has been detected with an allele frequency of approximately 0.001% (greater than 110000 alleles tested) in our clinical cohort.This amino acid position is highly conserved in available vertebrate species. In addition, this alteration is predicted to be tolerated by in silico analysis.Since supporting evidence is limited at this time, the clinical significance of this alterationremains unclear.

NM_001042492.3(NF1):c.8218G>A (p.Asp2740Asn)

Gene: NF1 (neurofibromin 1; plus strand). Cytogenetic location: 17q11.2.
Variant type: single nucleotide variant.
Coding change: c.8218G>A on transcript NM_001042492.3 (MANE Select); coding-DNA position 8218, G replaced by A.
Protein change: p.Asp2740Asn; replaces aspartic acid 2740 with asparagine.
Molecular consequence: missense variant.
Genome position (GRCh38, 1-based): chr17:31,360,544, G>A. VCF-style: chr17-31360544-G-A. GRCh37 (hg19) VCF-style: chr17-29687562-G-A.
Other names: c.8155G>A, p.Asp2719Asn (NM_000267.4); short protein forms D2719N, D2740N.
Identifiers: ClinVar variation 481906 (VCV000481906.11), dbSNP rs1555537228, ClinGen allele CA399204563.